The following is an entry in ClinVar:

ClinVar aggregate classification (germline): Uncertain significance (1 of 4 stars; one submission).

Conditions:
Norman-Roberts syndrome (LIS2). Also called: Lissencephaly 2 (Norman-Roberts type). Identifiers: Orphanet 89844, MedGen C0796089, MONDO:0009760, OMIM 257320.
Familial temporal lobe epilepsy 7. Identifiers: Orphanet 101046, MedGen C4225327, MONDO:0014639, OMIM 616436.

Submission:

Labcorp Genetics (formerly Invitae), Labcorp
Classification: Uncertain significance for Familial temporal lobe epilepsy 7; Norman-Roberts syndrome. Last evaluated: 2025-12-23. Review status: criteria provided, single submitter. Criteria: Invitae Variant Classification Sherloc (09022015). Collection method: clinical testing. Allele origin: germline.
Comment: This sequence change replaces tryptophan, which is neutral and slightly polar, with glycine, which is neutral and non-polar, at codon 2987 of the RELN protein (p.Trp2987Gly). This variant is not present in population databases (gnomAD no frequency). This variant has not been reported in the literature in individuals affected with RELN-related conditions. Invitae Evidence Modeling of protein sequence and biophysical properties (such as structural, functional, and spatial information, amino acid conservation, physicochemical variation, residue mobility, and thermodynamic stability) has been performed for this missense variant. However, the output from this modeling did not meet the statistical confidence thresholds required to predict the impact of this variant on RELN protein function. In summary, the available evidence is currently insufficient to determine the role of this variant in disease. Therefore, it has been classified as a Variant of Uncertain Significance.

NM_005045.4(RELN):c.8959T>G (p.Trp2987Gly)

Genes: RELN (reelin; minus strand), SLC26A5-AS1 (SLC26A5 antisense RNA 1; plus strand). Cytogenetic location: 7q22.1.
Variant type: single nucleotide variant.
Coding change: c.8959T>G on transcript NM_005045.4 (MANE Select); coding-DNA position 8959, T replaced by G.
Protein change: p.Trp2987Gly; replaces tryptophan 2987 with glycine.
Molecular consequence: missense variant.
Genome position (GRCh38, 1-based): chr7:103,496,760, A>C on the plus strand (T>G on the coding strand, the complement: RELN is on the minus strand). VCF-style: chr7-103496760-A-C. GRCh37 (hg19) VCF-style: chr7-103137207-A-C.
Other names: c.8959T>G, p.Trp2987Gly (NM_173054.3); short protein forms W2987G.
Identifiers: ClinVar variation 4783218 (VCV004783218.1).